The following is an entry in ClinVar:

ClinVar aggregate classification (germline): Likely benign. Review status: criteria provided, multiple submitters, no conflicts (2 of 4 stars). 5 submissions from 5 submitters: Likely benign (5). Last evaluated 2026-08-26.

Conditions:
MYO5B-related disorder. Also called: MYO5B-related condition.

Allele frequency attached by ClinVar (database versions not stated): gnomAD exomes 0.00006 and 0.00007; ExAC 0.00007; gnomAD 0.00009.
gnomAD v4.1: 111 of 1,614,138 alleles (0.0069%); highest among the groups gnomAD compares: Middle Eastern, 0.033%; no homozygotes.

Submissions (5):

PreventionGenetics, part of Exact Sciences
Classification: Likely benign for MYO5B-related condition. Last evaluated: 2026-08-26. Review status: criteria provided, single submitter. Criteria: ACMG Guidelines, 2015. Collection method: clinical testing. Allele origin: germline.
Comment: This variant is classified as likely benign based on ACMG/AMP sequence variant interpretation guidelines (Richards et al. 2015 PMID: 25741868, with internal and published modifications).

CeGaT Center for Human Genetics Tuebingen
Classification: Likely benign. Last evaluated: 2026-08-01. Review status: criteria provided, single submitter. Criteria: CeGaT Center For Human Genetics Tuebingen Variant Classification Criteria Version 2. Collection method: clinical testing. Allele origin: germline. Affected: yes. Observed: 1 variant allele.
Comment: MYO5B: BP4, BP7

Labcorp Genetics (formerly Invitae), Labcorp
Classification: Likely benign. Last evaluated: 2026-01-14. Review status: criteria provided, single submitter. Criteria: Invitae Variant Classification Sherloc (09022015). Collection method: clinical testing. Allele origin: germline.

Blueprint Genetics
Classification: Likely benign. Last evaluated: 2024-10-17. Review status: criteria provided, single submitter. Criteria: ACMG Guidelines, 2015. Collection method: clinical testing. Allele origin: germline.

Breakthrough Genomics
Classification: Likely benign. Review status: criteria provided, single submitter. Criteria: ACMG Guidelines, 2015. Collection method: not provided. Allele origin: germline. Inheritance: Autosomal recessive inheritance. Affected: yes.

NM_001080467.3(MYO5B):c.5268C>T (p.Asp1756=)

Genes: SNHG22 (small nucleolar RNA host gene 22; plus strand), MYO5B (myosin VB; minus strand). Cytogenetic location: 18q21.1.
Variant type: single nucleotide variant.
Coding change: c.5268C>T on transcript NM_001080467.3 (MANE Select); coding-DNA position 5268, C replaced by T.
Protein change: p.Asp1756=; no amino-acid change (aspartic acid 1756 retained).
Molecular consequence: synonymous variant.
Genome position (GRCh38, 1-based): chr18:49,836,756, G>A on the plus strand (C>T on the coding strand, the complement: MYO5B is on the minus strand). VCF-style: chr18-49836756-G-A. GRCh37 (hg19) VCF-style: chr18-47363126-G-A.
Other names: c.5268C>T (NM_001080467.2).
Identifiers: ClinVar variation 1541068 (VCV001541068.12), dbSNP rs1058514, ClinGen allele CA8960108.